The following is an entry in ClinVar:

NM_001122630.2(CDKN1C):c.190G>A (p.Gly64Arg)

Gene: CDKN1C (cyclin dependent kinase inhibitor 1C; minus strand). Cytogenetic location: 11p15.4.
Variant type: single nucleotide variant.
Coding change: c.190G>A on transcript NM_001122630.2 (MANE Select); coding-DNA position 190, G replaced by A.
Protein change: p.Gly64Arg; replaces glycine 64 with arginine.
Molecular consequence: missense variant.
Genome position (GRCh38, 1-based): chr11:2,885,267, C>T on the plus strand (G>A on the coding strand, the complement: CDKN1C is on the minus strand). VCF-style: chr11-2885267-C-T. GRCh37 (hg19) VCF-style: chr11-2906497-C-T.
Other names: c.223G>A, p.Gly75Arg (LRG_533t1, NM_000076.2, NM_001362474.2); c.190G>A, p.Gly64Arg (NM_001122631.2, NM_001362475.2); short protein forms G75R, G64R.
Identifiers: ClinVar variation 453992 (VCV000453992.9), dbSNP rs1224283171, ClinGen allele CA379147340.

ClinVar aggregate classification (germline): Uncertain significance. Review status: criteria provided, multiple submitters, no conflicts (2 of 4 stars). 2 submissions from 2 submitters: Uncertain significance (2). Last evaluated 2024-05-08.

Conditions:
Beckwith-Wiedemann syndrome (BWS). Also called: EMG SYNDROME; Exomphalos macroglossia gigantism syndrome. Identifiers: Orphanet 116, MedGen C0004903, MONDO:0007534, OMIM 130650.
IMAGe syndrome. Also called: Intrauterine growth retardation, metaphyseal dysplasia, adrenal hypoplasia congenita, and genital anomalies; Intrauterine Growth Restriction, Metaphyseal Dysplasia, Adrenal Hypoplasia Congenita, and Genital Anomalies. Identifiers: Orphanet 85173, MedGen C1846009, MONDO:0013873, OMIM 614732.

Allele frequency attached by ClinVar (database versions not stated): gnomAD exomes below 0.00001.
gnomAD v4.1: 2 of 1,577,382 alleles (0.00013%); highest among the groups gnomAD compares: Admixed American, 0.0036%; no homozygotes.

Submissions (2):

Fulgent Genetics
Classification: Uncertain significance for Beckwith-Wiedemann syndrome; IMAGe syndrome. Last evaluated: 2024-05-08. Review status: criteria provided, single submitter. Criteria: ACMG Guidelines, 2015. Collection method: clinical testing. Allele origin: germline.

Labcorp Genetics (formerly Invitae), Labcorp
Classification: Uncertain significance for Beckwith-Wiedemann syndrome. Last evaluated: 2023-11-10. Review status: criteria provided, single submitter. Criteria: Invitae Variant Classification Sherloc (09022015). Collection method: clinical testing. Allele origin: germline.
Comment: This sequence change replaces glycine, which is neutral and non-polar, with arginine, which is basic and polar, at codon 75 of the CDKN1C protein (p.Gly75Arg). The frequency data for this variant in the population databases is considered unreliable, as metrics indicate poor data quality at this position in the gnomAD database. This variant has not been reported in the literature in individuals affected with CDKN1C-related conditions. ClinVar contains an entry for this variant (Variation ID: 453992). Advanced modeling of protein sequence and biophysical properties (such as structural, functional, and spatial information, amino acid conservation, physicochemical variation, residue mobility, and thermodynamic stability) has been performed at Invitae for this missense variant, however the output from this modeling did not meet the statistical confidence thresholds required to predict the impact of this variant on CDKN1C protein function. In summary, the available evidence is currently insufficient to determine the role of this variant in disease. Therefore, it has been classified as a Variant of Uncertain Significance.